The following is an entry in ClinVar:

ClinVar aggregate classification (germline): Conflicting classifications of pathogenicity. Review status: criteria provided, conflicting classifications (1 of 4 stars). 2 submissions from 2 submitters: Uncertain significance (1); Likely benign (1). Last evaluated 2025-08-19.

Conditions:
Hereditary cancer-predisposing syndrome. Also called: Hereditary Cancer Syndrome; Hereditary neoplastic syndrome; Tumor predisposition; Neoplastic Syndromes, Hereditary. Identifiers: Orphanet 140162, MedGen C0027672, MeSH D009386, MONDO:0015356.

Submissions (2):

Ambry Genetics
Classification: Likely benign for Hereditary cancer-predisposing syndrome. Last evaluated: 2025-08-19. Review status: criteria provided, single submitter. Criteria: Ambry Variant Classification Scheme 2023. Collection method: clinical testing. Allele origin: germline.

GeneDx
Classification: Uncertain significance. Last evaluated: 2022-10-17. Review status: criteria provided, single submitter. Criteria: GeneDx Variant Classification Process June 2021. Collection method: clinical testing. Allele origin: germline. Affected: yes.
Comment: Not observed at significant frequency in large population cohorts (gnomAD); In silico analysis supports that this missense variant has a deleterious effect on protein structure/function; Has not been previously published as pathogenic or benign to our knowledge

NM_001048174.2(MUTYH):c.1007G>T (p.Arg336Leu)

Gene: MUTYH (mutY DNA glycosylase; minus strand). Cytogenetic location: 1p34.1.
Variant type: single nucleotide variant.
Coding change: c.1007G>T on transcript NM_001048174.2 (MANE Select); coding-DNA position 1007, G replaced by T.
Protein change: p.Arg336Leu; replaces arginine 336 with leucine.
Molecular consequence: missense variant. On other transcripts: non-coding transcript variant (2).
Genome position (GRCh38, 1-based): chr1:45,331,756, C>A on the plus strand (G>T on the coding strand, the complement: MUTYH is on the minus strand). VCF-style: chr1-45331756-C-A. GRCh37 (hg19) VCF-style: chr1-45797428-C-A.
Other names: c.1007G>T, p.Arg336Leu (NM_001048171.2, NM_001048173.2, NM_001293195.2 and 6 more transcripts); c.1010G>T, p.Arg337Leu (NM_001048172.2, NM_001407071.1, NM_001407078.1 and 1 more transcripts); c.1091G>T, p.Arg364Leu (NM_001128425.2); c.1052G>T, p.Arg351Leu (NM_001293190.2); c.1040G>T, p.Arg347Leu (NM_001293191.2, NM_001407069.1, NM_001407077.1); c.731G>T, p.Arg244Leu (NM_001293192.2, NM_001293196.2, NM_001407091.1); c.662G>T, p.Arg221Leu (NM_001350650.2, NM_001350651.2, NM_001407082.1); c.923G>T, p.Arg308Leu (NM_001407075.1); and 5 more; short protein forms R308L, R322L, R343L, R347L, R351L, R361L, R221L, R244L.
Identifiers: ClinVar variation 1789506 (VCV001789506.4), dbSNP rs587780741, ClinGen allele CA340133602.